The following is an entry in ClinVar:

NM_003705.5(SLC25A12):c.845+1del

Gene: SLC25A12 (solute carrier family 25 member 12; minus strand). Cytogenetic location: 2q31.1.
Variant type: Deletion.
Coding change: c.845+1del on transcript NM_003705.5 (MANE Select); the canonical splice donor site of the intron after coding-DNA position 845, one base deleted (G; older notation c.845+1delG).
Molecular consequence: splice donor variant.
Genome position (GRCh38, 1-based): chr2:171,833,962, C deleted on the plus strand (G on the coding strand, the reverse complement: SLC25A12 is on the minus strand); the first of 3 consecutive C bases (chr2:171,833,962-171,833,964); deleting any one gives the same sequence. VCF-style (leftmost placement, unchanged base first): chr2-171833961-AC-A. GRCh37 (hg19) VCF-style: chr2-172690471-AC-A.
Identifiers: ClinVar variation 1427911 (VCV001427911.6), dbSNP rs2105885940, ClinGen allele CA2573133716.
Genomic context (GRCh38, chr2:171,833,961, plus strand): 5'-ACTGCTTCACATTTTAGAACTACTCTATAATAAATATCATGAAGAATTATTGAAATACTT[AC>A]CCTGAAGCATTATATAAGTCTGCAAGCTGATATAGAATATCAATTTCTAGTGGTGTGACT-3'

ClinVar aggregate classification (germline): Pathogenic (1 of 4 stars; one submission).

Submission:

Labcorp Genetics (formerly Invitae), Labcorp
Classification: Pathogenic. Last evaluated: 2021-10-08. Review status: criteria provided, single submitter. Criteria: Invitae Variant Classification Sherloc (09022015). Collection method: clinical testing. Allele origin: germline.
Comment: For these reasons, this variant has been classified as Pathogenic. This variant is also known as c.845+1del. This variant has not been reported in the literature in individuals affected with SLC25A12-related conditions. This variant is not present in population databases (ExAC no frequency). This sequence change creates a premature translational stop signal (p.Arg283Alafs*2) in the SLC25A12 gene. It is expected to result in an absent or disrupted protein product. Loss-of-function variants in SLC25A12 are known to be pathogenic (PMID: 20015484, 31403263).

Literature cited by the submitters: PubMed 20015484; PubMed 31403263.